The following is an entry in ClinVar:

NM_015922.3(NSDHL):c.113A>G (p.Lys38Arg)

Gene: NSDHL (NAD(P) dependent 3-beta-hydroxysteroid dehydrogenase NSDHL; plus strand). Cytogenetic location: Xq28.
Variant type: single nucleotide variant.
Coding change: c.113A>G on transcript NM_015922.3 (MANE Select); coding-DNA position 113, A replaced by G.
Protein change: p.Lys38Arg; replaces lysine 38 with arginine.
Molecular consequence: missense variant.
Genome position (GRCh38, 1-based): chrX:152,850,269, A>G. VCF-style: chrX-152850269-A-G. GRCh37 (hg19) VCF-style: chrX-152018813-A-G.
Other names: c.113A>G (NM_015922.2); c.113A>G, p.Lys38Arg (NM_001129765.2); short protein forms K38R.
Identifiers: ClinVar variation 2856361 (VCV002856361.6), dbSNP rs192455721, ClinGen allele CA10544720.

ClinVar aggregate classification (germline): Likely benign. Review status: criteria provided, single submitter (1 of 4 stars). 2 submissions from 2 submitters: Likely benign (1). 1 of the submissions does not count toward it. Last evaluated 2025-09-19.

Conditions:
NSDHL-related disorder. Also called: NSDHL-related condition; NSDHL-Related Disorders. Identifiers: MedGen CN381535.

Allele frequency attached by ClinVar (database versions not stated): gnomAD 0.00009; gnomAD exomes 0.00013; TOPMed 0.00013; ExAC 0.00028; 1000 Genomes Project 30x 0.00062; 1000 Genomes Project 0.00079.
gnomAD v4.1: 151 of 1,208,409 alleles (0.012%); highest among the groups gnomAD compares: East Asian, 0.44%; no homozygotes.

Submissions (3):

Labcorp Genetics (formerly Invitae), Labcorp
Classification: Likely benign. Last evaluated: 2025-09-19. Review status: criteria provided, single submitter. Criteria: Invitae Variant Classification Sherloc (09022015). Collection method: clinical testing. Allele origin: germline.

PreventionGenetics, part of Exact Sciences
Classification: Likely benign for NSDHL-related condition. Last evaluated: 2023-05-16. Review status: no assertion criteria provided. Collection method: clinical testing. Allele origin: germline. Not counted in ClinVar's aggregate classification.
Comment: This variant is classified as likely benign based on ACMG/AMP sequence variant interpretation guidelines (Richards et al. 2015 PMID: 25741868, with internal and published modifications).

Dr. Peter K. Rogan Lab, Western University
No classification provided (evidence only). Condition: Gastric cancer. Review status: no classification provided. Collection method: in vitro. Allele origin: not applicable. Functional consequence: retained intron. Not counted in ClinVar's aggregate classification.